The following is an entry in ClinVar:

NM_182961.4(SYNE1):c.16205A>T (p.Glu5402Val)

Gene: SYNE1 (spectrin repeat containing nuclear envelope protein 1; minus strand). Cytogenetic location: 6q25.2.
Variant type: single nucleotide variant.
Coding change: c.16205A>T on transcript NM_182961.4 (MANE Select); coding-DNA position 16205, A replaced by T.
Protein change: p.Glu5402Val; replaces glutamic acid 5402 with valine.
Molecular consequence: missense variant.
Genome position (GRCh38, 1-based): chr6:152,321,269, T>A on the plus strand (A>T on the coding strand, the complement: SYNE1 is on the minus strand). VCF-style: chr6-152321269-T-A. GRCh37 (hg19) VCF-style: chr6-152642404-T-A.
Other names: c.15992A>T, p.Glu5331Val (NM_033071.5); short protein forms E5331V, E5402V.
Identifiers: ClinVar variation 1498616 (VCV001498616.8), dbSNP rs2153923807, ClinGen allele CA366116686.

ClinVar aggregate classification (germline): Uncertain significance (1 of 4 stars; one submission).

Conditions:
Autosomal recessive ataxia, Beauce type. Also called: SYNE1-Related Autosomal Recessive Cerebellar Ataxia; Spinocerebellar ataxia, autosomal recessive 8; ATAXIA, RECESSIVE, OF BEAUCE; SYNE1 Deficiency. Identifiers: Orphanet 88644, MedGen C1853116, MONDO:0012549, OMIM 610743.
Emery-Dreifuss muscular dystrophy 4, autosomal dominant (EDMD4). Also called: EMERY-DREIFUSS MUSCULAR DYSTROPHY 4 WITH VARIABLE FEATURES. Identifiers: Orphanet 261, MedGen C2751807, MONDO:0013071, OMIM 612998.

Submission:

Labcorp Genetics (formerly Invitae), Labcorp
Classification: Uncertain significance for Emery-Dreifuss muscular dystrophy 4, autosomal dominant; Autosomal recessive ataxia, Beauce type. Last evaluated: 2021-06-14. Review status: criteria provided, single submitter. Criteria: Invitae Variant Classification Sherloc (09022015). Collection method: clinical testing. Allele origin: germline.
Comment: This variant has not been reported in the literature in individuals with SYNE1-related conditions. In summary, the available evidence is currently insufficient to determine the role of this variant in disease. Therefore, it has been classified as a Variant of Uncertain Significance. Algorithms developed to predict the effect of missense changes on protein structure and function (SIFT, PolyPhen-2, Align-GVGD) all suggest that this variant is likely to be disruptive, but these predictions have not been confirmed by published functional studies and their clinical significance is uncertain. This variant is not present in population databases (ExAC no frequency). This sequence change replaces glutamic acid with valine at codon 5331 of the SYNE1 protein (p.Glu5331Val). The glutamic acid residue is highly conserved and there is a moderate physicochemical difference between glutamic acid and valine.